The following is an entry in ClinVar:

ClinVar aggregate classification (germline): Conflicting classifications of pathogenicity. Review status: criteria provided, conflicting classifications (1 of 4 stars). 4 submissions from 4 submitters: Uncertain significance (1); Likely benign (2). 1 of the submissions does not count toward it. Last evaluated 2025-12-23.

Conditions:
Ehlers-Danlos syndrome, classic type, 1 (EDSCL1). Also called: Ehlers-Danlos Syndrome, Classic Type, COL5A1-Related; EHLERS-DANLOS SYNDROME, GRAVIS TYPE; EHLERS-DANLOS SYNDROME, SEVERE CLASSIC TYPE; Ehlers-Danlos syndrome, type 1; EDS I. Identifiers: MedGen C0268335, MONDO:0019567, OMIM 130000.
COL5A1-related disorder. Also called: COL5A1-related condition.
Familial thoracic aortic aneurysm and aortic dissection (TAAD). Also called: Thoracic aortic aneurysms and dissections. Identifiers: Orphanet 91387, MedGen C4707243, MONDO:0019625.

Allele frequency attached by ClinVar (database versions not stated): gnomAD 0.00019; TOPMed 0.00020; ESP Exome Variant Server 0.00008; 1000 Genomes Project 30x 0.00016; gnomAD exomes 0.00002 and 0.00005; 1000 Genomes Project 0.00020; ExAC 0.00022.
gnomAD v4.1: 54 of 1,575,370 alleles (0.0034%); highest among the groups gnomAD compares: African/African-American, 0.064%; no homozygotes.

Submissions (4):

Labcorp Genetics (formerly Invitae), Labcorp
Classification: Likely benign for Ehlers-Danlos syndrome, classic type, 1. Last evaluated: 2025-12-23. Review status: criteria provided, single submitter. Criteria: Invitae Variant Classification Sherloc (09022015). Collection method: clinical testing. Allele origin: germline.

Ambry Genetics
Classification: Likely benign for Familial thoracic aortic aneurysm and aortic dissection. Last evaluated: 2025-10-07. Review status: criteria provided, single submitter. Criteria: Ambry Variant Classification Scheme 2023. Collection method: clinical testing. Allele origin: germline.

GeneDx
Classification: Uncertain significance. Last evaluated: 2024-07-24. Review status: criteria provided, single submitter. Criteria: GeneDx Variant Classification Process June 2021. Collection method: clinical testing. Allele origin: germline. Affected: yes.
Comment: Has not been previously published as pathogenic or benign to our knowledge; Occurs in the triple helical domain at the X position in the canonical Gly-X-Y repeat; although this variant may have an effect on normal protein folding and function, missense substitution at the X position is not a common mechanism of disease (PMID: 22696272; HGMD); In silico analysis indicates that this missense variant does not alter protein structure/function; This variant is associated with the following publications: (PMID: 22696272)

PreventionGenetics, part of Exact Sciences
Classification: Likely benign for COL5A1-related condition. Last evaluated: 2022-02-25. Review status: no assertion criteria provided. Collection method: clinical testing. Allele origin: germline. Not counted in ClinVar's aggregate classification.
Comment: This variant is classified as likely benign based on ACMG/AMP sequence variant interpretation guidelines (Richards et al. 2015 PMID: 25741868, with internal and published modifications).

NM_000093.5(COL5A1):c.3649C>T (p.Pro1217Ser)

Gene: COL5A1 (collagen type V alpha 1 chain; plus strand). Cytogenetic location: 9q34.3.
Variant type: single nucleotide variant.
Coding change: c.3649C>T on transcript NM_000093.5 (MANE Select); coding-DNA position 3649, C replaced by T.
Protein change: p.Pro1217Ser; replaces proline 1217 with serine.
Molecular consequence: missense variant.
Genome position (GRCh38, 1-based): chr9:134,811,558, C>T. VCF-style: chr9-134811558-C-T. GRCh37 (hg19) VCF-style: chr9-137703404-C-T.
Other names: c.3649C>T (NM_000093.4); c.3649C>T, p.Pro1217Ser (NM_001278074.1); short protein forms P1217S.
Identifiers: ClinVar variation 264411 (VCV000264411.18), dbSNP rs139116598, ClinGen allele CA5319973.